The following is an entry in ClinVar:

NM_006412.4(AGPAT2):c.50T>G (p.Leu17Arg)

Gene: AGPAT2 (1-acylglycerol-3-phosphate O-acyltransferase 2; minus strand). Cytogenetic location: 9q34.3.
Variant type: single nucleotide variant.
Coding change: c.50T>G on transcript NM_006412.4 (MANE Select); coding-DNA position 50, T replaced by G.
Protein change: p.Leu17Arg; replaces leucine 17 with arginine.
Molecular consequence: missense variant.
Genome position (GRCh38, 1-based): chr9:136,687,308, A>C on the plus strand (T>G on the coding strand, the complement: AGPAT2 is on the minus strand). VCF-style: chr9-136687308-A-C. GRCh37 (hg19) VCF-style: chr9-139581760-A-C.
Other names: c.50T>G, p.Leu17Arg (NM_001012727.2); short protein forms L17R.
Identifiers: ClinVar variation 2133714 (VCV002133714.4), dbSNP rs745978420, ClinGen allele CA5343183.
Genomic context (GRCh38, chr9:136,687,308, plus strand): 5'-CACAGCGCGCAGTACAGGGCGACCTTGGCGTAGAACTCGGCCGCGCGGCTCAGCTGCACC[A>C]GCAGCAGCAGCAACAGCAGCGCCGCGGCCAGACACGGCCACAGCTCCATGGCCCGGCCCG-3'
Protein context (NP_006403.2, residues 7-27): LAAALLLLLL[Leu17Arg]VQLSRAAEFY

ClinVar aggregate classification (germline): Uncertain significance (1 of 4 stars; one submission).

Allele frequency attached by ClinVar (database versions not stated): ExAC 0.00001.

Submission:

Labcorp Genetics (formerly Invitae), Labcorp
Classification: Uncertain significance. Last evaluated: 2022-05-04. Review status: criteria provided, single submitter. Criteria: Invitae Variant Classification Sherloc (09022015). Collection method: clinical testing. Allele origin: germline.
Comment: This sequence change replaces leucine, which is neutral and non-polar, with arginine, which is basic and polar, at codon 17 of the AGPAT2 protein (p.Leu17Arg). This variant is present in population databases (rs745978420, gnomAD 0.001%). This variant has not been reported in the literature in individuals affected with AGPAT2-related conditions. Algorithms developed to predict the effect of missense changes on protein structure and function are either unavailable or do not agree on the potential impact of this missense change (SIFT: "Deleterious"; PolyPhen-2: "Possibly Damaging"; Align-GVGD: "Class C0"). In summary, the available evidence is currently insufficient to determine the role of this variant in disease. Therefore, it has been classified as a Variant of Uncertain Significance.